The following is an entry in ClinVar:

NM_000444.6(PHEX):c.1854_1857dup (p.Asn620delinsAspTer)

Genes: PHEX (phosphate regulating endopeptidase X-linked; plus strand), PTCHD1-AS (PTCHD1 and PHEX antisense RNA; minus strand). Cytogenetic location: Xp22.11.
Variant type: Duplication.
Coding change: c.1854_1857dup on transcript NM_000444.6 (MANE Select); coding-DNA positions 1854 to 1857, 4 bases duplicated (GATT; older notation c.1854_1857dupGATT).
Protein change: p.Asn620delinsAspTer.
Molecular consequence: nonsense.
Genome position (GRCh38, 1-based): chrX:22,221,698-22,221,701, GATT duplicated; duplicating any 4 consecutive bases within chrX:22,221,697-22,221,701 gives the same sequence; the c. name uses the placement nearest the transcript's 3' end. VCF-style (leftmost placement, unchanged base first): chrX-22221696-A-ATGAT. GRCh37 (hg19) VCF-style: chrX-22239813-A-ATGAT.
Other names: c.1854_1857dup, p.Asn620delinsAspTer (NM_001282754.2).
Identifiers: ClinVar variation 280080 (VCV000280080.3), dbSNP rs886041367, ClinGen allele CA10603651.

ClinVar aggregate classification (germline): Pathogenic. Review status: criteria provided, multiple submitters, no conflicts (2 of 4 stars). 2 submissions from 2 submitters: Pathogenic (2). Last evaluated 2019-05-28.

Conditions:
Familial X-linked hypophosphatemic vitamin D refractory rickets (XLHRD). Also called: Hypophosphatemia, vitamin D-resistant rickets; Vitamin D-resistant rickets, X-linked; X-Linked Hypophosphatemia; Hypophosphatemic Rickets, X-Linked Dominant; HYPOPHOSPHATEMIC VITAMIN D-RESISTANT RICKETS. Identifiers: Orphanet 89936, MedGen C0733682, MONDO:0010619, OMIM 307800.

Submissions (2):

Mendelics
Classification: Pathogenic for Familial X-linked hypophosphatemic vitamin D refractory rickets. Last evaluated: 2019-05-28. Review status: criteria provided, single submitter. Criteria: Mendelics Assertion Criteria 2017. Collection method: clinical testing. Allele origin: unknown.

GeneDx
Classification: Pathogenic. Last evaluated: 2016-07-12. Review status: criteria provided, single submitter. Criteria: GeneDx Variant Classification (06012015). Collection method: clinical testing. Allele origin: germline. Affected: yes.
Comment: The c.1854_1857dupGATT variant in the PHEX gene has been reported previously as c.1857_1858insGATT using alternate nomenclature in association with X-linked hypophosphatemic rickets (Gaucher et al., 2009). The duplication causes a frameshift starting with codon Asparagine 620, changes this amino acid to an Aspartic acid residue and creates a premature Stop codon at position 2 of the new reading frame, denoted p.Asn620AspfsX2. The variant was not observed in approximately 6,500 individuals of European and African American ancestry in the NHLBI Exome Sequencing Project, indicating it is not a common benign variant in these populations. This variant is predicted to cause loss of normal protein function either through protein truncation or nonsense-mediated mRNA decay. Therefore, we consider this variant to be pathogenic.